The following is an entry in ClinVar:

ClinVar aggregate classification (germline): Uncertain significance (1 of 4 stars; one submission).

Conditions:
Hypertrophic cardiomyopathy. Also called: HYPERTROPHIC MYOCARDIOPATHY. Identifiers: Orphanet 217569, MedGen C0007194, MeSH D002312, MONDO:0005045, HP:0001639.

Allele frequency attached by ClinVar (database versions not stated): gnomAD exomes below 0.00001.
gnomAD v4.1: 1 of 1,583,482 alleles (0.000063%); highest among the groups gnomAD compares: African/African-American, 0.0014%; no homozygotes.

Submission:

Labcorp Genetics (formerly Invitae), Labcorp
Classification: Uncertain significance for Hypertrophic cardiomyopathy. Last evaluated: 2021-09-30. Review status: criteria provided, single submitter. Criteria: Invitae Variant Classification Sherloc (09022015). Collection method: clinical testing. Allele origin: germline.
Comment: This variant has not been reported in the literature in individuals affected with MYBPC3-related conditions. This variant is not present in population databases (ExAC no frequency). This sequence change replaces cysteine with tyrosine at codon 913 of the MYBPC3 protein (p.Cys913Tyr). The cysteine residue is weakly conserved and there is a large physicochemical difference between cysteine and tyrosine. Algorithms developed to predict the effect of missense changes on protein structure and function are either unavailable or do not agree on the potential impact of this missense change (SIFT: "Deleterious"; PolyPhen-2: "Possibly Damaging"; Align-GVGD: "Class C0"). In summary, the available evidence is currently insufficient to determine the role of this variant in disease. Therefore, it has been classified as a Variant of Uncertain Significance.

NM_000256.3(MYBPC3):c.2738G>A (p.Cys913Tyr)

Gene: MYBPC3 (myosin binding protein C3; minus strand). Cytogenetic location: 11p11.2.
Variant type: single nucleotide variant.
Coding change: c.2738G>A on transcript NM_000256.3 (MANE Select); coding-DNA position 2738, G replaced by A.
Protein change: p.Cys913Tyr; replaces cysteine 913 with tyrosine.
Molecular consequence: missense variant.
Genome position (GRCh38, 1-based): chr11:47,335,209, C>T on the plus strand (G>A on the coding strand, the complement: MYBPC3 is on the minus strand). VCF-style: chr11-47335209-C-T. GRCh37 (hg19) VCF-style: chr11-47356760-C-T.
Other names: short protein forms C913Y.
Identifiers: ClinVar variation 1447827 (VCV001447827.6), dbSNP rs2142853042, ClinGen allele CA380316876.